The following is an entry in ClinVar:

ClinVar aggregate classification (germline): Likely pathogenic (1 of 4 stars; one submission).

Submission:

GeneDx
Classification: Likely pathogenic. Last evaluated: 2019-07-25. Review status: criteria provided, single submitter. Criteria: GeneDx Variant Classification Process June 2021. Collection method: clinical testing. Allele origin: germline. Affected: yes.
Comment: Not observed in large population cohorts (Lek et al., 2016); In silico analysis, which includes protein predictors and evolutionary conservation, supports a deleterious effect; Has not been previously published as pathogenic or benign to our knowledge

NM_006852.6(TLK2):c.1087C>T (p.Arg363Trp)

Gene: TLK2 (tousled like kinase 2; plus strand). Cytogenetic location: 17q23.2.
Variant type: single nucleotide variant.
Coding change: c.1087C>T on transcript NM_006852.6 (MANE Select); coding-DNA position 1087, C replaced by T.
Protein change: p.Arg363Trp; replaces arginine 363 with tryptophan.
Molecular consequence: missense variant.
Genome position (GRCh38, 1-based): chr17:62,573,333, C>T. VCF-style: chr17-62573333-C-T. GRCh37 (hg19) VCF-style: chr17-60650694-C-T.
Other names: c.1087C>T, p.Arg363Trp (NM_001284333.3, NM_001375270.1, NM_001375271.1); c.991C>T, p.Arg331Trp (NM_001284363.1, NM_001375272.1); c.640C>T, p.Arg214Trp (NM_001330418.3, NM_001375273.1); c.1129C>T, p.Arg377Trp (NM_001375269.1); short protein forms R214W, R331W, R363W, R377W.
Identifiers: ClinVar variation 1214092 (VCV001214092.3), dbSNP rs2146616671, ClinGen allele CA400501594.